The following is an entry in ClinVar:

ClinVar aggregate classification (germline): Likely benign (0 of 4 stars; one submission).

Conditions:
HNRNPA2B1-related disorder. Also called: HNRNPA2B1-related condition.

gnomAD v4.1: 55 of 1,613,352 alleles (0.0034%); highest among the groups gnomAD compares: Non-Finnish European, 0.0045%; no homozygotes.

Submission:

PreventionGenetics, part of Exact Sciences
Classification: Likely benign for HNRNPA2B1-related condition. Last evaluated: 2023-08-22. Review status: no assertion criteria provided. Collection method: clinical testing. Allele origin: germline.
Comment: This variant is classified as likely benign based on ACMG/AMP sequence variant interpretation guidelines (Richards et al. 2015 PMID: 25741868, with internal and published modifications).

NM_002137.4(HNRNPA2B1):c.-5C>T

Gene: HNRNPA2B1 (heterogeneous nuclear ribonucleoprotein A2/B1; minus strand). Cytogenetic location: 7p15.2.
Variant type: single nucleotide variant.
Coding change: c.-5C>T on transcript NM_002137.4 (MANE Select); 5 bases upstream of the start codon, C replaced by T.
Molecular consequence: 5 prime UTR variant.
Genome position (GRCh38, 1-based): chr7:26,200,582, G>A on the plus strand (C>T on the coding strand, the complement: HNRNPA2B1 is on the minus strand). VCF-style: chr7-26200582-G-A. GRCh37 (hg19) VCF-style: chr7-26240202-G-A.
Other names: c.-5C>T (NM_031243.4).
Identifiers: ClinVar variation 3358296 (VCV003358296.1).